The following is an entry in ClinVar:

NM_002878.4(RAD51D):c.146C>T (p.Ala49Val)

Genes: RAD51D (RAD51 paralog D; minus strand), RAD51L3-RFFL (RAD51L3-RFFL readthrough; minus strand). Cytogenetic location: 17q12.
Variant type: single nucleotide variant.
Coding change: c.146C>T on transcript NM_002878.4 (MANE Select); coding-DNA position 146, C replaced by T.
Protein change: p.Ala49Val; replaces alanine 49 with valine.
Molecular consequence: missense variant. On other transcripts: intron variant (2).
Genome position (GRCh38, 1-based): chr17:35,118,618, G>A on the plus strand (C>T on the coding strand, the complement: RAD51D is on the minus strand). VCF-style: chr17-35118618-G-A. GRCh37 (hg19) VCF-style: chr17-33445637-G-A.
Other names: p.A49V:GCC>GTC; c.144+493C>T (NM_133629.3, NM_001142571.2); short protein forms A49V.
Identifiers: ClinVar variation 127883 (VCV000127883.46), dbSNP rs140317560, ClinGen allele CA287959.

ClinVar aggregate classification (germline): Conflicting classifications of pathogenicity. Review status: criteria provided, conflicting classifications (1 of 4 stars). 16 submissions from 16 submitters: Uncertain significance (2); Benign (3); Likely benign (9). 2 of the submissions do not count toward it. Last evaluated 2026-02-03.

Conditions:
Hereditary cancer-predisposing syndrome. Also called: Hereditary neoplastic syndrome; Neoplastic Syndromes, Hereditary; Hereditary Cancer Syndrome; Tumor predisposition. Identifiers: Orphanet 140162, MedGen C0027672, MeSH D009386, MONDO:0015356.
Breast-ovarian cancer, familial, susceptibility to, 4. Identifiers: Orphanet 145, MedGen C3280345, MONDO:0013669, OMIM 614291.
Hereditary breast ovarian cancer syndrome. Also called: Hereditary breast and/or ovarian cancer syndrome; Hereditary breast and ovarian cancer syndrome; Breast and ovarian cancer; BRCA1- and BRCA2-Associated Hereditary Breast and Ovarian Cancer; Hereditary breast and ovarian cancer; Hereditary breast and ovarian cancer syndrome (HBOC). Identifiers: Orphanet 145, MedGen C0677776, MeSH D061325, MONDO:0003582. Disease mechanism: loss of function.

Allele frequency attached by ClinVar (database versions not stated): gnomAD exomes 0.00011 and 0.00031; ExAC 0.00037; 1000 Genomes Project 30x 0.00094; 1000 Genomes Project 0.00100; gnomAD 0.00108 and 0.00116; TOPMed 0.00124; ESP Exome Variant Server 0.00185.
gnomAD v4.1: 327 of 1,613,700 alleles (0.02%); highest among the groups gnomAD compares: African/African-American, 0.4%; no homozygotes.

Submissions (16):

Labcorp Genetics (formerly Invitae), Labcorp
Classification: Benign for Breast-ovarian cancer, familial, susceptibility to, 4. Last evaluated: 2026-02-03. Review status: criteria provided, single submitter. Criteria: Invitae Variant Classification Sherloc (09022015). Collection method: clinical testing. Allele origin: germline.

Center for Genomic Medicine, Rigshospitalet, Copenhagen University Hospital
Classification: Likely benign. Last evaluated: 2025-03-04. Review status: criteria provided, single submitter. Criteria: ACMG Guidelines, 2015. Collection method: clinical testing. Allele origin: germline.

Myriad Genetics, Inc.
Classification: Likely benign for Breast-ovarian cancer, familial, susceptibility to, 4. Last evaluated: 2024-12-13. Review status: criteria provided, single submitter. Criteria: Myriad Autosomal Dominant, Autosomal Recessive and X-Linked Classification Criteria (2023). Collection method: clinical testing. Allele origin: unknown.
Comment: This variant is considered likely benign. This variant is strongly associated with less severe personal and family histories of cancer, typical for individuals without pathogenic variants in this gene [PMID: 25085752].

Color Diagnostics, LLC DBA Color Health
Classification: Benign for Hereditary cancer-predisposing syndrome. Last evaluated: 2024-09-19. Review status: criteria provided, single submitter. Criteria: ACMG Guidelines, 2015. Collection method: clinical testing. Allele origin: germline.

Mendelics
Classification: Benign for Hereditary breast ovarian cancer syndrome. Last evaluated: 2023-08-22. Review status: criteria provided, single submitter. Criteria: Mendelics Assertion Criteria 2019. Collection method: clinical testing. Allele origin: germline.

Department of Pathology and Laboratory Medicine, Sinai Health System
Classification: Uncertain significance for Hereditary breast ovarian cancer syndrome. Last evaluated: 2023-03-14. Review status: criteria provided, single submitter. Criteria: ACMG Guidelines, 2015. Collection method: clinical testing. Allele origin: germline. Affected: yes.

Quest Diagnostics Nichols Institute San Juan Capistrano
Classification: Likely benign. Last evaluated: 2022-08-17. Review status: criteria provided, single submitter. Criteria: Quest Diagnostics criteria. Collection method: clinical testing. Allele origin: unknown.

GeneDx
Classification: Likely benign. Last evaluated: 2021-06-14. Review status: criteria provided, single submitter. Criteria: GeneDx Variant Classification Process June 2021. Collection method: clinical testing. Allele origin: germline. Affected: yes.
Comment: This variant is associated with the following publications: (PMID: 25980754, 27720647, 25186627)

Sema4
Classification: Likely benign for Hereditary cancer-predisposing syndrome. Last evaluated: 2021-05-30. Review status: criteria provided, single submitter. Criteria: Sema4 Curation Guidelines. Collection method: curation. Allele origin: germline.

ARUP Laboratories, Molecular Genetics and Genomics, ARUP Laboratories
Classification: Likely benign for Breast-ovarian cancer, familial, susceptibility to, 4. Last evaluated: 2021-04-02. Review status: criteria provided, single submitter. Criteria: ARUP Molecular Germline Variant Investigation Process 2021. Collection method: clinical testing. Allele origin: germline.

Ambry Genetics
Classification: Likely benign for Hereditary cancer-predisposing syndrome. Last evaluated: 2018-05-04. Review status: criteria provided, single submitter. Criteria: Ambry Variant Classification Scheme 2023. Collection method: clinical testing. Allele origin: germline.

PreventionGenetics, part of Exact Sciences
Classification: Likely benign. Last evaluated: 2017-06-07. Review status: criteria provided, single submitter. Criteria: ACMG Guidelines, 2015. Collection method: clinical testing. Allele origin: germline.

Women's Health and Genetics/Laboratory Corporation of America, LabCorp
Classification: Likely benign. Last evaluated: 2017-03-16. Review status: criteria provided, single submitter. Criteria: LabCorp Variant Classification Summary - May 2015. Collection method: clinical testing. Allele origin: germline.
Comment: Variant summary: The RAD51D c.146C>T (p.Ala49Val) variant involves the alteration of a conserved nucleotide and 2/4 in silico tools (SNPs&GO not captured due to low reliability index) predict a benign outcome. The variant of interest is also located at the second 5' position of exon 3 and thus could affect splicing, which 3/5 splice prediction tools predict no significant impact on normal splicing. ESE finder predicts that this variant may alter ESE binding. However, these predictions have yet to be confirmed by functional studies. The variant of interest was observed in the large, broad control population, ExAC, with an allele frequency of 45/120782 (1/2683), predominantly in the African cohort, 43/10248 (1/238), which exceeds the estimated maximal expected allele frequency for a pathogenic RAD51D variant of 1/8000. Therefore, suggesting this variant is likely a benign polymorphism found primarily in population(s) of African origin. A publication cites the variant in one affected individual diagnosed with Lynch syndrome-associated cancer and/or polyps, however, with limited information (ie, lack of cosegregation data). In addition, multiple clinical diagnostic laboratories classified this variant as likely benign/uncertain significance. Taken together, this variant is classified as likely benign.

Eurofins Ntd Llc (ga)
Classification: Uncertain significance. Last evaluated: 2015-09-11. Review status: criteria provided, single submitter. Criteria: EGL Classification Definitions 2015. Collection method: clinical testing. Allele origin: germline. Observed: 1 variant allele, 1 heterozygote.

Genetic Services Laboratory, University of Chicago
Classification: Likely benign. Last evaluated: 2022-07-28. Review status: no assertion criteria provided. Collection method: clinical testing. Allele origin: germline. Affected: no. Not counted in ClinVar's aggregate classification.

Counsyl
Classification: Uncertain significance for Breast-ovarian cancer, familial, susceptibility to, 4. Last evaluated: 2016-07-26. Review status: no assertion criteria provided. Collection method: clinical testing. Allele origin: unknown. Not counted in ClinVar's aggregate classification.

Literature cited by the submitters: PubMed 25085752 (cited by Myriad Genetics, Inc.); PubMed 25186627 (cited by 3 submitters); PubMed 25980754 (cited by 5 submitters).